The following is an entry in ClinVar:

NM_001130823.3(DNMT1):c.950A>G (p.Glu317Gly)

Gene: DNMT1 (DNA methyltransferase 1; minus strand). Cytogenetic location: 19p13.2.
Variant type: single nucleotide variant.
Coding change: c.950A>G on transcript NM_001130823.3 (MANE Select); coding-DNA position 950, A replaced by G.
Protein change: p.Glu317Gly; replaces glutamic acid 317 with glycine.
Molecular consequence: missense variant.
Genome position (GRCh38, 1-based): chr19:10,162,725, T>C on the plus strand (A>G on the coding strand, the complement: DNMT1 is on the minus strand). VCF-style: chr19-10162725-T-C. GRCh37 (hg19) VCF-style: chr19-10273401-T-C.
Other names: c.950A>G (LRG_362t1); c.902A>G, p.Glu301Gly (NM_001318730.2, NM_001379.4); c.587A>G, p.Glu196Gly (NM_001318731.2); short protein forms E317G, E196G, E301G.
Identifiers: ClinVar variation 618606 (VCV000618606.8), dbSNP rs1478185698, ClinGen allele CA403940822.

ClinVar aggregate classification (germline): Uncertain significance (1 of 4 stars; one submission).

Submission:

ARUP Laboratories, Molecular Genetics and Genomics, ARUP Laboratories
Classification: Uncertain significance. Last evaluated: 2018-01-18. Review status: criteria provided, single submitter. Criteria: ARUP Molecular Germline Variant Investigation Process. Collection method: clinical testing. Allele origin: germline.
Comment: The p.Glu317Gly variant has not been reported in the medical literature, gene specific variation databases, nor has it been previously identified by our laboratory. It is absent from general population databases such as 1000 Genomes, NHLBI GO Exome Sequencing Project (ESP), and the Genome Aggregation Database (gnomAD). The glutamic acid at position 317 is moderately conserved considering 12 species (Alamut v2.10) and computational analyses of the effects of the p.Glu317Gly variant on protein structure and function provide conflicting results (SIFT: damaging, MutationTaster: polymorphism, PolyPhen-2: benign). Altogether, there is not enough evidence to classify the p.Glu317Gly variant with certainty.